The following is an entry in ClinVar:

NM_000363.5(TNNI3):c.346G>A (p.Ala116Thr)

Gene: TNNI3 (troponin I3, cardiac type; minus strand). Cytogenetic location: 19q13.42.
Variant type: single nucleotide variant.
Coding change: c.346G>A on transcript NM_000363.5 (MANE Select); coding-DNA position 346, G replaced by A.
Protein change: p.Ala116Thr; replaces alanine 116 with threonine.
Molecular consequence: missense variant.
Genome position (GRCh38, 1-based): chr19:55,154,767, C>T on the plus strand (G>A on the coding strand, the complement: TNNI3 is on the minus strand). VCF-style: chr19-55154767-C-T. GRCh37 (hg19) VCF-style: chr19-55666135-C-T.
Other names: short protein forms A116T.
Identifiers: ClinVar variation 926132 (VCV000926132.5), dbSNP rs2085716374, ClinGen allele CA407440990.

ClinVar aggregate classification (germline): Uncertain significance (1 of 4 stars; one submission).

Conditions:
Cardiomyopathy (CMYO). Also called: Cardiomyopathies. Identifiers: Orphanet 167848, MedGen C0878544, MONDO:0004994, HP:0001638. Inheritance: Various modes of inheritance.

Allele frequency attached by ClinVar (database versions not stated): gnomAD exomes below 0.00001.
gnomAD v4.1: 2 of 1,614,214 alleles (0.00012%); highest among the groups gnomAD compares: South Asian, 0.0022%; no homozygotes.

Submission:

Color Diagnostics, LLC DBA Color Health
Classification: Uncertain significance for Cardiomyopathy. Last evaluated: 2023-12-05. Review status: criteria provided, single submitter. Criteria: ACMG Guidelines, 2015. Collection method: clinical testing. Allele origin: germline.
Comment: This missense variant replaces alanine with threonine at codon 116 of the TNNI3 protein. Computational prediction tools and conservation analyses are inconclusive regarding the impact of this variant on the protein function. Computational splicing tools suggest that this variant may not impact RNA splicing. To our knowledge, functional assays have not been performed for this variant nor has this variant been reported in individuals affected with cardiovascular disorders in the literature. This variant has not been identified in the general population by the Genome Aggregation Database (gnomAD). Available evidence is insufficient to determine the role of this variant in disease conclusively. Therefore, this variant is classified as a Variant of Uncertain Significance.